The following is an entry in ClinVar:

ClinVar aggregate classification (germline): Uncertain significance. Review status: criteria provided, multiple submitters, no conflicts (2 of 4 stars). 3 submissions from 3 submitters: Uncertain significance (3). Last evaluated 2024-07-17.

Conditions:
Hereditary cancer-predisposing syndrome. Also called: Tumor predisposition; Hereditary neoplastic syndrome; Neoplastic Syndromes, Hereditary; Hereditary Cancer Syndrome. Identifiers: Orphanet 140162, MedGen C0027672, MeSH D009386, MONDO:0015356.
Hereditary nonpolyposis colorectal neoplasms. Identifiers: MedGen C0009405, MeSH D003123.

gnomAD v4.1: 1 of 1,609,616 alleles (0.000062%); highest among the groups gnomAD compares: Non-Finnish European, 0.000085%; no homozygotes.

Submissions (3):

Labcorp Genetics (formerly Invitae), Labcorp
Classification: Uncertain significance for Hereditary nonpolyposis colorectal neoplasms. Last evaluated: 2024-07-17. Review status: criteria provided, single submitter. Criteria: Invitae Variant Classification Sherloc (09022015). Collection method: clinical testing. Allele origin: germline.
Comment: This sequence change replaces glutamic acid, which is acidic and polar, with lysine, which is basic and polar, at codon 1348 of the MSH6 protein (p.Glu1348Lys). This variant is not present in population databases (gnomAD no frequency). This missense change has been observed in individual(s) with clinical features of MSH6-related conditions (PMID: 10612827). ClinVar contains an entry for this variant (Variation ID: 857347). Advanced modeling of protein sequence and biophysical properties (such as structural, functional, and spatial information, amino acid conservation, physicochemical variation, residue mobility, and thermodynamic stability) performed at Invitae indicates that this missense variant is not expected to disrupt MSH6 protein function with a negative predictive value of 95%. Algorithms developed to predict the effect of sequence changes on RNA splicing suggest that this variant may disrupt the consensus splice site. In summary, the available evidence is currently insufficient to determine the role of this variant in disease. Therefore, it has been classified as a Variant of Uncertain Significance.

Ambry Genetics
Classification: Uncertain significance for Hereditary cancer-predisposing syndrome. Last evaluated: 2024-02-09. Review status: criteria provided, single submitter. Criteria: Ambry Variant Classification Scheme 2023. Collection method: clinical testing. Allele origin: germline.
Comment: The p.E1348K variant (also known as c.4042G>A), located in coding exon 10 of the MSH6 gene, results from a G to A substitution at nucleotide position 4042. The glutamic acid at codon 1348 is replaced by lysine, an amino acid with similar properties. This amino acid position is not well conserved in available vertebrate species. In addition, the in silico prediction for this alteration is inconclusive. Since supporting evidence is limited at this time, the clinical significance of this alteration remains unclear.

Color Diagnostics, LLC DBA Color Health
Classification: Uncertain significance for Hereditary cancer-predisposing syndrome. Last evaluated: 2023-12-05. Review status: criteria provided, single submitter. Criteria: ACMG Guidelines, 2015. Collection method: clinical testing. Allele origin: germline.
Comment: This missense variant replaces glutamic acid with lysine at codon 1348 of the MSH6 protein. Computational prediction suggests that this variant may not impact protein structure and function (internally defined REVEL score threshold <= 0.5, PMID: 27666373). To our knowledge, functional studies have not been reported for this variant. This variant has not been reported in individuals affected with MSH6-related disorders in the literature. This variant has not been identified in the general population by the Genome Aggregation Database (gnomAD). The available evidence is insufficient to determine the role of this variant in disease conclusively. Therefore, this variant is classified as a Variant of Uncertain Significance.

Literature cited by the submitters: PubMed 10612827 (cited by Labcorp Genetics (formerly Invitae), Labcorp).

NM_000179.3(MSH6):c.4042G>A (p.Glu1348Lys)

Gene: MSH6 (mutS homolog 6; plus strand). Cytogenetic location: 2p16.3.
Variant type: single nucleotide variant.
Coding change: c.4042G>A on transcript NM_000179.3 (MANE Select); coding-DNA position 4042, G replaced by A.
Protein change: p.Glu1348Lys; replaces glutamic acid 1348 with lysine.
Molecular consequence: missense variant.
Genome position (GRCh38, 1-based): chr2:47,806,819, G>A. VCF-style: chr2-47806819-G-A. GRCh37 (hg19) VCF-style: chr2-48033958-G-A.
Other names: c.3652G>A, p.Glu1218Lys (NM_001281492.2); c.3136G>A, p.Glu1046Lys (NM_001281493.2, NM_001281494.2); short protein forms E1046K, E1218K, E1348K.
Identifiers: ClinVar variation 857347 (VCV000857347.14), dbSNP rs1670216733, ClinGen allele CA346761697.